The following is an entry in ClinVar:

ClinVar aggregate classification (germline): Pathogenic (1 of 4 stars; one submission).

Conditions:
Familial cancer of breast. Also called: hereditary breast carcinoma; Hereditary breast cancer; BREAST CANCER, FAMILIAL. Identifiers: Orphanet 227535, MedGen C0346153, MONDO:0016419, OMIM 114480. Disease mechanism: loss of function.

Submission:

Labcorp Genetics (formerly Invitae), Labcorp
Classification: Pathogenic for Familial cancer of breast. Last evaluated: 2025-02-10. Review status: criteria provided, single submitter. Criteria: Invitae Variant Classification Sherloc (09022015). Collection method: clinical testing. Allele origin: germline.
Comment: This sequence change creates a premature translational stop signal (p.Ser356Hisfs*9) in the CHEK2 gene. It is expected to result in an absent or disrupted protein product. Loss-of-function variants in CHEK2 are known to be pathogenic (PMID: 21876083, 24713400). This variant is not present in population databases (gnomAD no frequency). This variant has not been reported in the literature in individuals affected with CHEK2-related conditions. ClinVar contains an entry for this variant (Variation ID: 2713133). Algorithms developed to predict the effect of sequence changes on RNA splicing suggest that this variant may disrupt the consensus splice site. For these reasons, this variant has been classified as Pathogenic.

Literature cited by the submitters: PubMed 21876083; PubMed 24713400.

NM_007194.4(CHEK2):c.1065del (p.Ser356fs)

Gene: CHEK2 (checkpoint kinase 2; minus strand). Cytogenetic location: 22q12.1.
Variant type: Deletion.
Coding change: c.1065del on transcript NM_007194.4 (MANE Select); coding-DNA position 1065, one base deleted (G; older notation c.1065delG).
Protein change: p.Ser356fs; shifts the reading frame from serine 356.
Molecular consequence: frameshift variant. On other transcripts: intron variant (3).
Genome position (GRCh38, 1-based): chr22:28,696,931, C deleted on the plus strand (G on the coding strand, the reverse complement: CHEK2 is on the minus strand). VCF-style (leftmost placement, unchanged base first): chr22-28696930-AC-A. GRCh37 (hg19) VCF-style: chr22-29092918-AC-A.
Other names: c.1194del, p.Ser399fs (NM_001005735.3); c.402del, p.Ser135fs (NM_001257387.3, NM_001437942.1); c.864del, p.Ser289fs (NM_001349956.3); c.1158del, p.Ser387fs (NM_001438293.1); c.1009-1058del (NM_145862.3); c.1102-1058del (NM_001438295.1); c.1138-1058del (NM_001438294.1); short protein forms S356fs, S135fs, S289fs, S399fs, S387fs.
Identifiers: ClinVar variation 2713133 (VCV002713133.3), dbSNP rs2517821124, ClinGen allele CA2697552665.